The following is an entry in ClinVar:

NM_032119.4(ADGRV1):c.15835A>G (p.Ile5279Val)

Gene: ADGRV1 (adhesion G protein-coupled receptor V1; plus strand). Cytogenetic location: 5q14.3.
Variant type: single nucleotide variant.
Coding change: c.15835A>G on transcript NM_032119.4 (MANE Select); coding-DNA position 15835, A replaced by G.
Protein change: p.Ile5279Val; replaces isoleucine 5279 with valine.
Molecular consequence: missense variant. On other transcripts: non-coding transcript variant (1).
Genome position (GRCh38, 1-based): chr5:90,811,095, A>G. VCF-style: chr5-90811095-A-G. GRCh37 (hg19) VCF-style: chr5-90106912-A-G.
Other names: short protein forms I5279V.
Identifiers: ClinVar variation 1513422 (VCV001513422.3), dbSNP rs1762401350, ClinGen allele CA360411089.

ClinVar aggregate classification (germline): Uncertain significance (1 of 4 stars; one submission).

Allele frequency attached by ClinVar (database versions not stated): gnomAD exomes below 0.00001.
gnomAD v4.1: 2 of 1,613,892 alleles (0.00012%); highest among the groups gnomAD compares: South Asian, 0.0011%; no homozygotes.

Submission:

Labcorp Genetics (formerly Invitae), Labcorp
Classification: Uncertain significance. Last evaluated: 2022-03-10. Review status: criteria provided, single submitter. Criteria: Invitae Variant Classification Sherloc (09022015). Collection method: clinical testing. Allele origin: germline.
Comment: This sequence change replaces isoleucine, which is neutral and non-polar, with valine, which is neutral and non-polar, at codon 5279 of the ADGRV1 protein (p.Ile5279Val). This variant is not present in population databases (gnomAD no frequency). This variant has not been reported in the literature in individuals affected with ADGRV1-related conditions. Algorithms developed to predict the effect of missense changes on protein structure and function output the following: SIFT: "Tolerated"; PolyPhen-2: "Benign"; Align-GVGD: "Class C0". The valine amino acid residue is found in multiple mammalian species, which suggests that this missense change does not adversely affect protein function. In summary, the available evidence is currently insufficient to determine the role of this variant in disease. Therefore, it has been classified as a Variant of Uncertain Significance.